The following is an entry in ClinVar:

ClinVar aggregate classification (germline): Uncertain significance. Review status: criteria provided, single submitter (1 of 4 stars). 2 submissions from 2 submitters: Uncertain significance (1). 1 of the submissions does not count toward it. Last evaluated 2023-03-02.

Conditions:
ZFHX2-related disorder. Also called: ZFHX2-related condition.

Allele frequency attached by ClinVar (database versions not stated): ExAC 0.00021; 1000 Genomes Project 30x 0.00031.
gnomAD v4.1: 192 of 1,536,336 alleles (0.012%); highest among the groups gnomAD compares: African/African-American, 0.14%; 2 homozygotes.

Submissions (2):

Ambry Genetics
Classification: Uncertain significance. Last evaluated: 2023-03-02. Review status: criteria provided, single submitter. Criteria: Ambry Variant Classification Scheme 2023. Collection method: clinical testing. Allele origin: germline.

PreventionGenetics, part of Exact Sciences
Classification: Likely benign for ZFHX2-related condition. Last evaluated: 2023-07-30. Review status: no assertion criteria provided. Collection method: clinical testing. Allele origin: germline. Not counted in ClinVar's aggregate classification.
Comment: This variant is classified as likely benign based on ACMG/AMP sequence variant interpretation guidelines (Richards et al. 2015 PMID: 25741868, with internal and published modifications).

NM_033400.3(ZFHX2):c.5621G>A (p.Arg1874His)

Genes: THTPA (thiamine triphosphatase; plus strand), ZFHX2 (zinc finger homeobox 2; minus strand). Cytogenetic location: 14q11.2.
Variant type: single nucleotide variant.
Coding change: c.5621G>A on transcript NM_033400.3 (MANE Select); coding-DNA position 5621, G replaced by A.
Protein change: p.Arg1874His; replaces arginine 1874 with histidine.
Molecular consequence: missense variant.
Genome position (GRCh38, 1-based): chr14:23,524,321, C>T on the plus strand (G>A on the coding strand, the complement: ZFHX2 is on the minus strand). VCF-style: chr14-23524321-C-T. GRCh37 (hg19) VCF-style: chr14-23993530-C-T.
Other names: short protein forms R1874H.
Identifiers: ClinVar variation 2465840 (VCV002465840.4), dbSNP rs757438843, ClinGen allele CA7116878.